The following is an entry in ClinVar:

ClinVar aggregate classification (germline): Pathogenic (1 of 4 stars; one submission).

Conditions:
Infantile neuroaxonal dystrophy (NBIA2A). Also called: NEURODEGENERATION WITH BRAIN IRON ACCUMULATION 2A; SEITELBERGER DISEASE; Infantile neuroaxonal dystrophy 1. Identifiers: Orphanet 35069, MedGen C0270724, MONDO:0024457, OMIM 256600.

Submission:

Labcorp Genetics (formerly Invitae), Labcorp
Classification: Pathogenic for Infantile neuroaxonal dystrophy. Last evaluated: 2023-02-22. Review status: criteria provided, single submitter. Criteria: Invitae Variant Classification Sherloc (09022015). Collection method: clinical testing. Allele origin: germline.
Comment: This variant has not been reported in the literature in individuals affected with PLA2G6-related conditions. For these reasons, this variant has been classified as Pathogenic. This variant is not present in population databases (gnomAD no frequency). This sequence change creates a premature translational stop signal (p.Glu105Glyfs*11) in the PLA2G6 gene. It is expected to result in an absent or disrupted protein product. Loss-of-function variants in PLA2G6 are known to be pathogenic (PMID: 16783378, 18570303, 18799783, 22213678).

Literature cited by the submitters: PubMed 16783378; PubMed 18570303; PubMed 18799783; PubMed 22213678.

NM_003560.4(PLA2G6):c.312_313del (p.Glu105fs)

Gene: PLA2G6 (phospholipase A2 group VI; minus strand). Cytogenetic location: 22q13.1.
Variant type: Deletion.
Coding change: c.312_313del on transcript NM_003560.4 (MANE Select); coding-DNA positions 312 to 313, 2 bases deleted (TG; older notation c.312_313delTG).
Protein change: p.Glu105fs; shifts the reading frame from glutamic acid 105.
Molecular consequence: frameshift variant. On other transcripts: 5 prime UTR variant (3).
Genome position (GRCh38, 1-based): chr22:38,145,550-38,145,551, CA deleted on the plus strand (TG on the coding strand, the reverse complement: PLA2G6 is on the minus strand). VCF-style (leftmost placement, unchanged base first): chr22-38145549-TCA-T. GRCh37 (hg19) VCF-style: chr22-38541556-TCA-T.
Other names: c.312_313del, p.Glu105fs (NM_001004426.3, NM_001199562.3, NM_001349864.2 and 2 more transcripts); c.-223_-222del (NM_001349867.2, NM_001349869.2); c.-179_-178del (NM_001349868.2); short protein forms E105fs.
Identifiers: ClinVar variation 2839933 (VCV002839933.3), dbSNP rs2518068499, ClinGen allele CA2739267974.
Genomic context (GRCh38, chr22:38,145,549, plus strand): 5'-AGGTGGGCCACTGACCAGCTGGGGTGGTTACGGATGAGGTCGGTCAGGTGCTGCAGGACC[TCA>T]GTGTGCAGGACCTGAGGGGAGCTCTCATAGAAGGGTAGCAGCTGGGAAGAATACTGATGG-3'